The following is an entry in ClinVar:

ClinVar aggregate classification (germline): Conflicting classifications of pathogenicity. Review status: criteria provided, conflicting classifications (1 of 4 stars). 2 submissions from 2 submitters: Uncertain significance (1); Likely benign (1). Last evaluated 2026-01-30.

Conditions:
Pancreatic adenocarcinoma. Identifiers: MedGen C0281361, MONDO:0006047, HP:0006725.

Allele frequency attached by ClinVar (database versions not stated): gnomAD exomes 0.00007 and 0.00025; gnomAD 0.00011 and 0.00013; TOPMed 0.00013; 1000 Genomes Project 0.00020; ExAC 0.00021; 1000 Genomes Project 30x 0.00031.
gnomAD v4.1: 126 of 1,612,730 alleles (0.0078%); highest among the groups gnomAD compares: East Asian, 0.21%; no homozygotes.

Submissions (2):

Labcorp Genetics (formerly Invitae), Labcorp
Classification: Likely benign for Pancreatic adenocarcinoma. Last evaluated: 2026-01-30. Review status: criteria provided, single submitter. Criteria: Invitae Variant Classification Sherloc (09022015). Collection method: clinical testing. Allele origin: germline.

Ambry Genetics
Classification: Uncertain significance. Last evaluated: 2022-10-30. Review status: criteria provided, single submitter. Criteria: Ambry Variant Classification Scheme 2023. Collection method: clinical testing. Allele origin: germline.
Comment: The p.R891H variant (also known as c.2672G>A), located in coding exon 15 of the PALLD gene, results from a G to A substitution at nucleotide position 2672. The arginine at codon 891 is replaced by histidine, an amino acid with highly similar properties. This amino acid position is conserved. In addition, the in silico prediction for this alteration is inconclusive. Since supporting evidence is limited at this time, the clinical significance of this alteration remains unclear.

NM_001166108.2(PALLD):c.2723G>A (p.Arg908His)

Genes: CBR4 (carbonyl reductase 4; minus strand), PALLD (palladin, cytoskeletal associated protein; plus strand). Cytogenetic location: 4q32.3.
Variant type: single nucleotide variant.
Coding change: c.2723G>A on transcript NM_001166108.2 (MANE Select); coding-DNA position 2723, G replaced by A.
Protein change: p.Arg908His; replaces arginine 908 with histidine.
Molecular consequence: missense variant.
Genome position (GRCh38, 1-based): chr4:168,915,900, G>A. VCF-style: chr4-168915900-G-A. GRCh37 (hg19) VCF-style: chr4-169837051-G-A.
Other names: c.1526G>A, p.Arg509His (NM_001166109.2); c.1211G>A, p.Arg404His (NM_001166110.2); c.551G>A, p.Arg184His (NM_001367567.1, NM_001367569.1); c.602G>A, p.Arg201His (NM_001367568.1, NM_001367570.1); c.2672G>A, p.Arg891His (NM_016081.4); short protein forms R404H, R891H, R908H, R509H, R184H, R201H.
Identifiers: ClinVar variation 238607 (VCV000238607.14), dbSNP rs114171764, ClinGen allele CA3135953.